The following is an entry in ClinVar:

NC_012920.1(MT-ND3):m.10365G>A

Gene: MT-ND3 (mitochondrially encoded NADH dehydrogenase 3; plus strand).
Variant type: single nucleotide variant.
Genome position: chrM-10365-G-A.
Identifiers: ClinVar variation 693285 (VCV000693285.1), dbSNP rs1603222800, ClinGen allele CA414805209.

ClinVar aggregate classification (germline): Benign (1 of 4 stars; one submission).

Conditions:
Leigh syndrome (NULS). Also called: Leigh's necrotizing encephalopathy; Leigh's disease; Leigh Syndrome (mtDNA deletion); Leigh Disease; Subacute necrotizing encephalopathy; Necrotizing encephalopathy infantile subacute of Leigh. Identifiers: Orphanet 506, MedGen C2931891, MONDO:0009723, OMIM 256000.

Submission:

Wong Mito Lab, Molecular and Human Genetics, Baylor College of Medicine
Classification: Benign for Leigh syndrome. Last evaluated: 2019-10-17. Review status: criteria provided, single submitter. Criteria: Modified ACMG Guidelines (Unpublished). Collection method: clinical testing. Allele origin: germline.
Comment: The NC_012920.1:m.10365G>A (YP_003024033.1:p.Ala103Thr) variant in MTND3 gene is interpretated to be a Benign variant based on the modified ACMG guidelines (unpublished). This variant meets the following evidence codes: BS1, BS2, BP4